The following is an entry in ClinVar:

NM_006208.3(ENPP1):c.1154T>A (p.Val385Asp)

Gene: ENPP1 (ectonucleotide pyrophosphatase/phosphodiesterase 1; plus strand). Cytogenetic location: 6q23.2.
Variant type: single nucleotide variant.
Coding change: c.1154T>A on transcript NM_006208.3 (MANE Select); coding-DNA position 1154, T replaced by A.
Protein change: p.Val385Asp; replaces valine 385 with aspartic acid.
Molecular consequence: missense variant.
Genome position (GRCh38, 1-based): chr6:131,864,928, T>A. VCF-style: chr6-131864928-T-A. GRCh37 (hg19) VCF-style: chr6-132186068-T-A.
Other names: c.1154T>A (NM_006208.2); short protein forms V385D.
Identifiers: ClinVar variation 3615737 (VCV003615737.3).
Genomic context (GRCh38, chr6:131,864,928, plus strand): 5'-CACACTTTTACACTCTGTATTTAGAAGAACCAGATTCTTCAGGTCATTCATATGGACCAG[T>A]CAGCAGTGAAGTAAGTACATTTTTATCAGTAATTATTTCATTAAACCCAGTCATCAAACT-3'
Protein context (NP_006199.2, residues 375-395): PDSSGHSYGP[Val385Asp]SSEVIKALQR

ClinVar aggregate classification (germline): Uncertain significance. Review status: criteria provided, multiple submitters, no conflicts (2 of 4 stars). 2 submissions from 2 submitters: Uncertain significance (2). Last evaluated 2025-08-21.

Conditions:
Inborn genetic diseases. Identifiers: MedGen C0950123, MeSH D030342.

gnomAD v4.1: 10 of 1,589,450 alleles (0.00063%); highest among the groups gnomAD compares: Admixed American, 0.005%; no homozygotes.

Submissions (2):

Ambry Genetics
Classification: Uncertain significance for Inborn genetic diseases. Last evaluated: 2025-08-21. Review status: criteria provided, single submitter. Criteria: Ambry Variant Classification Scheme 2023. Collection method: clinical testing. Allele origin: germline.

Labcorp Genetics (formerly Invitae), Labcorp
Classification: Uncertain significance. Last evaluated: 2024-03-20. Review status: criteria provided, single submitter. Criteria: Invitae Variant Classification Sherloc (09022015). Collection method: clinical testing. Allele origin: germline.
Comment: This sequence change replaces valine, which is neutral and non-polar, with aspartic acid, which is acidic and polar, at codon 385 of the ENPP1 protein (p.Val385Asp). This variant is present in population databases (no rsID available, gnomAD 0.009%). This variant has not been reported in the literature in individuals affected with ENPP1-related conditions. Advanced modeling of protein sequence and biophysical properties (such as structural, functional, and spatial information, amino acid conservation, physicochemical variation, residue mobility, and thermodynamic stability) performed at Invitae indicates that this missense variant is not expected to disrupt ENPP1 protein function with a negative predictive value of 80%. In summary, the available evidence is currently insufficient to determine the role of this variant in disease. Therefore, it has been classified as a Variant of Uncertain Significance.